The following is an entry in ClinVar:

NM_006030.4(CACNA2D2):c.1715G>A (p.Arg572Gln)

Gene: CACNA2D2 (calcium voltage-gated channel auxiliary subunit alpha2delta 2; minus strand). Cytogenetic location: 3p21.31.
Variant type: single nucleotide variant.
Coding change: c.1715G>A on transcript NM_006030.4 (MANE Select); coding-DNA position 1715, G replaced by A.
Protein change: p.Arg572Gln; replaces arginine 572 with glutamine.
Molecular consequence: missense variant.
Genome position (GRCh38, 1-based): chr3:50,376,021, C>T on the plus strand (G>A on the coding strand, the complement: CACNA2D2 is on the minus strand). VCF-style: chr3-50376021-C-T. GRCh37 (hg19) VCF-style: chr3-50413452-C-T.
Other names: c.1715G>A, p.Arg572Gln (NM_001005505.3, NM_001174051.3); c.1508G>A, p.Arg503Gln (NM_001291101.1); c.1715G>A (NM_001174051.1); short protein forms R572Q, R503Q.
Identifiers: ClinVar variation 648278 (VCV000648278.8), dbSNP rs141415086, ClinGen allele CA2418751.
Genomic context (GRCh38, chr3:50,376,021, plus strand): 5'-ACCTCTTCCTTGTTCTCATCCTCTAGCTCCGCATCCAGGAAGTCCAGAGTCACAGGCTCC[C>T]GGAAGTTGGTGGTCTGTTGGAGGCAGGGTGGGAAGTCAGAAGTCCCCATTGTGGAAGGTT-3'
Protein context (NP_006021.2, residues 562-582): PNLKPQTTNF[Arg572Gln]EPVTLDFLDA

ClinVar aggregate classification (germline): Uncertain significance. Review status: criteria provided, multiple submitters, no conflicts (2 of 4 stars). 2 submissions from 2 submitters: Uncertain significance (2). Last evaluated 2025-02-03.

Conditions:
Inborn genetic diseases. Identifiers: MedGen C0950123, MeSH D030342.
Early-infantile DEE. Also called: Early infantile epileptic encephalopathy with suppression bursts; Early infantile epileptic encephalopathy; Ohtahara syndrome. Identifiers: Orphanet 1934, MedGen C0393706, MONDO:0800491.

Allele frequency attached by ClinVar (database versions not stated): gnomAD 0.00001; ExAC 0.00002; gnomAD exomes 0.00002; TOPMed 0.00002; ESP Exome Variant Server 0.00008.
gnomAD v4.1: 40 of 1,613,256 alleles (0.0025%); highest among the groups gnomAD compares: Non-Finnish European, 0.0031%; no homozygotes.

Submissions (2):

Labcorp Genetics (formerly Invitae), Labcorp
Classification: Uncertain significance for Early-infantile DEE. Last evaluated: 2025-02-03. Review status: criteria provided, single submitter. Criteria: Invitae Variant Classification Sherloc (09022015). Collection method: clinical testing. Allele origin: germline.
Comment: This sequence change replaces arginine, which is basic and polar, with glutamine, which is neutral and polar, at codon 572 of the CACNA2D2 protein (p.Arg572Gln). This variant is present in population databases (rs141415086, gnomAD 0.006%). This variant has not been reported in the literature in individuals affected with CACNA2D2-related conditions. ClinVar contains an entry for this variant (Variation ID: 648278). An algorithm developed to predict the effect of missense changes on protein structure and function (PolyPhen-2) suggests that this variant is likely to be tolerated. In summary, the available evidence is currently insufficient to determine the role of this variant in disease. Therefore, it has been classified as a Variant of Uncertain Significance.

Ambry Genetics
Classification: Uncertain significance for Inborn genetic diseases. Last evaluated: 2022-05-27. Review status: criteria provided, single submitter. Criteria: Ambry Variant Classification Scheme 2023. Collection method: clinical testing. Allele origin: germline.